The following is an entry in ClinVar:

NM_000439.5(PCSK1):c.543+4A>G

Genes: CAST (calpastatin; plus strand), PCSK1 (proprotein convertase subtilisin/kexin type 1; minus strand), LOC101929710 (uncharacterized LOC101929710; plus strand). Cytogenetic location: 5q15.
Variant type: single nucleotide variant.
Coding change: c.543+4A>G on transcript NM_000439.5 (MANE Select); 4 bases into the intron after coding-DNA position 543, A replaced by G.
Molecular consequence: intron variant.
Genome position (GRCh38, 1-based): chr5:96,423,309, T>C on the plus strand (A>G on the coding strand, the complement: PCSK1 is on the minus strand). VCF-style: chr5-96423309-T-C. GRCh37 (hg19) VCF-style: chr5-95759013-T-C.
Other names: c.-175+43657T>C (NM_001423259.1, NM_001423255.1, NM_001423250.1 and 6 more transcripts); c.-103+43657T>C (NM_001423253.1); c.-40+43657T>C (NM_001423258.1); c.402+4A>G (NM_001177875.2).
Identifiers: ClinVar variation 4997030 (VCV004997030.1).
Genomic context (GRCh38, chr5:96,423,309, plus strand): 5'-GCCCTAACTGTGTGTCTGCACAGACAGCTCCCTAAGTCACAGTCATGAGAAGGCACACAC[T>C]TACATAGTTGGCATAAATGTCCGTGTGATTCCACTCCAAACCATCATCCAGTACGGTGAT-3'

ClinVar aggregate classification (germline): Uncertain significance (1 of 4 stars; one submission).

Conditions:
PCSK1-related disorder. Also called: PCSK1-related condition.

Submission:

PreventionGenetics, part of Exact Sciences
Classification: Uncertain significance for PCSK1-related condition. Last evaluated: 2025-01-17. Review status: criteria provided, single submitter. Criteria: ACMG Guidelines, 2015. Collection method: clinical testing. Allele origin: germline.
Comment: The PCSK1 c.543+4A>G variant is predicted to interfere with splicing. However, such computer predictions are not equivalent to functional evidence. To our knowledge, this variant has not been reported in the literature or in a large population database (gnomAD), indicating this variant is rare. At this time, the clinical significance of this variant is uncertain due to the absence of conclusive functional and genetic evidence.